The following is an entry in ClinVar:

NM_000051.4(ATM):c.1323G>C (p.Gln441His)

Gene: ATM (ATM serine/threonine kinase; plus strand). Cytogenetic location: 11q22.3.
Variant type: single nucleotide variant.
Coding change: c.1323G>C on transcript NM_000051.4 (MANE Select); coding-DNA position 1323, G replaced by C.
Protein change: p.Gln441His; replaces glutamine 441 with histidine.
Molecular consequence: missense variant.
Genome position (GRCh38, 1-based): chr11:108,250,788, G>C. VCF-style: chr11-108250788-G-C. GRCh37 (hg19) VCF-style: chr11-108121515-G-C.
Other names: c.1323G>C, p.Gln441His (NM_001351834.2); short protein forms Q441H.
Identifiers: ClinVar variation 1721573 (VCV001721573.5), dbSNP rs2080095950, ClinGen allele CA382533678.

ClinVar aggregate classification (germline): Uncertain significance (1 of 4 stars; one submission).

Conditions:
Ataxia-telangiectasia syndrome (AT). Also called: Ataxia-telangiectasia, complementation group D; Ataxia telangiectasia (A-T); ATAXIA-TELANGIECTASIA, COMPLEMENTATION GROUP A; LOUIS-BAR SYNDROME; Cerebello-oculocutaneous telangiectasia; Immunodeficiency with ataxia telangiectasia. Identifiers: Orphanet 100, MedGen C0004135, MONDO:0008840, OMIM 208900.

Allele frequency attached by ClinVar (database versions not stated): TOPMed below 0.00001.

Submission:

Labcorp Genetics (formerly Invitae), Labcorp
Classification: Uncertain significance for Ataxia-telangiectasia syndrome. Last evaluated: 2024-04-29. Review status: criteria provided, single submitter. Criteria: Invitae Variant Classification Sherloc (09022015). Collection method: clinical testing. Allele origin: germline.
Comment: This sequence change replaces glutamine, which is neutral and polar, with histidine, which is basic and polar, at codon 441 of the ATM protein (p.Gln441His). This variant is not present in population databases (gnomAD no frequency). This variant has not been reported in the literature in individuals affected with ATM-related conditions. ClinVar contains an entry for this variant (Variation ID: 1721573). An algorithm developed to predict the effect of missense changes on protein structure and function (PolyPhen-2) suggests that this variant is likely to be disruptive. In summary, the available evidence is currently insufficient to determine the role of this variant in disease. Therefore, it has been classified as a Variant of Uncertain Significance.